The following is an entry in ClinVar:

ClinVar aggregate classification (germline): Conflicting classifications of pathogenicity. Review status: criteria provided, conflicting classifications (1 of 4 stars). 2 submissions from 2 submitters: Likely pathogenic (1); Uncertain significance (1). Last evaluated 2020-05-16.

Conditions:
Long QT syndrome (LQTS). Identifiers: MedGen C0023976, MeSH D008133, MONDO:0002442. Disease mechanism: loss of function. Inheritance: Various modes of inheritance.

Submissions (2):

Labcorp Genetics (formerly Invitae), Labcorp
Classification: Likely pathogenic for Long QT syndrome. Last evaluated: 2020-05-16. Review status: criteria provided, single submitter. Criteria: Invitae Variant Classification Sherloc (09022015). Collection method: clinical testing. Allele origin: germline.
Comment: In summary, the currently available evidence indicates that the variant is pathogenic, but additional data are needed to prove that conclusively. Therefore, this variant has been classified as Likely Pathogenic. Algorithms developed to predict the effect of missense changes on protein structure and function are either unavailable or do not agree on the potential impact of this missense change (SIFT: "Deleterious"; PolyPhen-2: "Probably Damaging"; Align-GVGD: "Class C15"). This variant has been observed in individual(s) with clinical features of long QT syndrome (Invitae). In at least one individual the variant was observed to be de novo. This variant is not present in population databases (ExAC no frequency). This sequence change replaces lysine with glutamic acid at codon 610 of the KCNH2 protein (p.Lys610Glu). The lysine residue is moderately conserved and there is a small physicochemical difference between lysine and glutamic acid.

Blueprint Genetics
Classification: Uncertain significance. Last evaluated: 2018-06-14. Review status: criteria provided, single submitter. Criteria: ACMG Guidelines, 2015. Collection method: clinical testing. Allele origin: germline.

NM_000238.4(KCNH2):c.1828A>G (p.Lys610Glu)

Gene: KCNH2 (potassium voltage-gated channel subfamily H member 2; minus strand). Cytogenetic location: 7q36.1.
Variant type: single nucleotide variant.
Coding change: c.1828A>G on transcript NM_000238.4 (MANE Select); coding-DNA position 1828, A replaced by G.
Protein change: p.Lys610Glu; replaces lysine 610 with glutamic acid.
Molecular consequence: missense variant.
Genome position (GRCh38, 1-based): chr7:150,951,565, T>C on the plus strand (A>G on the coding strand, the complement: KCNH2 is on the minus strand). VCF-style: chr7-150951565-T-C. GRCh37 (hg19) VCF-style: chr7-150648653-T-C.
Other names: c.808A>G, p.Lys270Glu (NM_001204798.2, NM_172057.3); c.1540A>G, p.Lys514Glu (NM_001406753.1, NM_001406756.1); c.1651A>G, p.Lys551Glu (NM_001406755.1); c.1528A>G, p.Lys510Glu (NM_001406757.1); c.1828A>G, p.Lys610Glu (NM_172056.3); short protein forms K270E, K610E, K514E, K551E, K510E.
Identifiers: ClinVar variation 1066309 (VCV001066309.11), dbSNP rs2116960647, ClinGen allele CA369857996.